The following is an entry in ClinVar:

NM_007327.4(GRIN1):c.2167G>C (p.Asp723His)

Gene: GRIN1 (glutamate ionotropic receptor NMDA type subunit 1; plus strand). Cytogenetic location: 9q34.3.
Variant type: single nucleotide variant.
Coding change: c.2167G>C on transcript NM_007327.4 (MANE Select); coding-DNA position 2167, G replaced by C.
Protein change: p.Asp723His; replaces aspartic acid 723 with histidine.
Molecular consequence: missense variant.
Genome position (GRCh38, 1-based): chr9:137,162,999, G>C. VCF-style: chr9-137162999-G-C. GRCh37 (hg19) VCF-style: chr9-140057451-G-C.
Other names: c.2167G>C (NM_007327.3); c.2167G>C, p.Asp723His (NM_000832.7, NM_021569.4); c.2230G>C, p.Asp744His (NM_001185090.2, NM_001185091.2); short protein forms D723H, D744H.
Identifiers: ClinVar variation 1716284 (VCV001716284.7), dbSNP rs2538643432, ClinGen allele CA375722618.
Genomic context (GRCh38, chr9:137,162,999, plus strand): 5'-TACCGGCATATGGAGAAGCACAACTACGAGAGTGCGGCGGAGGCCATCCAGGCCGTGAGA[G>C]ACAAGTGAGGCGCGGGCGGCCACCCTGGCGGGGCGGGACAGGTGCGGGGAGGGGGAGGGT-3'
Protein context (NP_015566.1, residues 713-733): SAAEAIQAVR[Asp723His]NKLHAFIWDS

ClinVar aggregate classification (germline): Uncertain significance. Review status: criteria provided, multiple submitters, no conflicts (2 of 4 stars). 2 submissions from 2 submitters: Uncertain significance (2). Last evaluated 2025-03-19.

Conditions:
Neurodevelopmental disorder with or without hyperkinetic movements and seizures, autosomal dominant. Also called: Intellectual disability, autosomal dominant 8. Identifiers: MedGen C3280282, MONDO:0013655, OMIM 614254.
Inborn genetic diseases. Identifiers: MedGen C0950123, MeSH D030342.

Submissions (2):

Ambry Genetics
Classification: Uncertain significance for Inborn genetic diseases. Last evaluated: 2025-03-19. Review status: criteria provided, single submitter. Criteria: Ambry Variant Classification Scheme 2023. Collection method: clinical testing. Allele origin: germline.

Labcorp Genetics (formerly Invitae), Labcorp
Classification: Uncertain significance for Neurodevelopmental disorder with or without hyperkinetic movements and seizures, autosomal dominant. Last evaluated: 2022-07-16. Review status: criteria provided, single submitter. Criteria: Invitae Variant Classification Sherloc (09022015). Collection method: clinical testing. Allele origin: germline.
Comment: This sequence change replaces aspartic acid, which is acidic and polar, with histidine, which is basic and polar, at codon 723 of the GRIN1 protein (p.Asp723His). This variant is not present in population databases (gnomAD no frequency). This variant has not been reported in the literature in individuals affected with GRIN1-related conditions. Advanced modeling of protein sequence and biophysical properties (such as structural, functional, and spatial information, amino acid conservation, physicochemical variation, residue mobility, and thermodynamic stability) performed at Invitae indicates that this missense variant is expected to disrupt GRIN1 protein function. In summary, the available evidence is currently insufficient to determine the role of this variant in disease. Therefore, it has been classified as a Variant of Uncertain Significance.